The following is an entry in ClinVar:

NM_000089.4(COL1A2):c.3900T>C (p.Leu1300=)

Gene: COL1A2 (collagen type I alpha 2 chain; plus strand). Cytogenetic location: 7q21.3.
Variant type: single nucleotide variant.
Coding change: c.3900T>C on transcript NM_000089.4 (MANE Select); coding-DNA position 3900, T replaced by C.
Protein change: p.Leu1300=; no amino-acid change (leucine 1300 retained).
Molecular consequence: synonymous variant.
Genome position (GRCh38, 1-based): chr7:94,429,376, T>C. VCF-style: chr7-94429376-T-C. GRCh37 (hg19) VCF-style: chr7-94058688-T-C.
Identifiers: ClinVar variation 4005104 (VCV004005104.2).

ClinVar aggregate classification (germline): Likely benign. Review status: criteria provided, multiple submitters, no conflicts (2 of 4 stars). 2 submissions from 2 submitters: Likely benign (2). Last evaluated 2025-12-23.

Conditions:
Cardiovascular phenotype. Identifiers: MedGen CN230736.

Submissions (2):

Women's Health and Genetics/Laboratory Corporation of America, LabCorp
Classification: Likely benign. Last evaluated: 2025-12-23. Review status: criteria provided, single submitter. Criteria: LabCorp Variant Classification Summary - May 2015. Collection method: clinical testing. Allele origin: germline.
Comment: Variant summary: COL1A2 c.3900T>C results in a synonymous change. Consensus agreement among computation tools predict no significant impact on normal splicing. However, these predictions have yet to be confirmed by functional studies. The variant was absent in 251146 control chromosomes. The available data on variant occurrences in the general population are insufficient to allow any conclusion about variant significance. To our knowledge, no occurrence of c.3900T>C in individuals affected with COL1A2-related conditions and no experimental evidence demonstrating its impact on protein function have been reported. ClinVar contains an entry for this variant (Variation ID: 4005104). Based on the evidence outlined above, the variant was classified as likely benign.

Ambry Genetics
Classification: Likely benign for Cardiovascular phenotype. Last evaluated: 2025-03-31. Review status: criteria provided, single submitter. Criteria: Ambry Variant Classification Scheme 2023. Collection method: clinical testing. Allele origin: germline.